The following is an entry in ClinVar:

ClinVar aggregate classification (germline): Uncertain significance (1 of 4 stars; one submission).

Conditions:
Hereditary cancer-predisposing syndrome. Also called: Neoplastic Syndromes, Hereditary; Tumor predisposition; Hereditary Cancer Syndrome; Hereditary neoplastic syndrome. Identifiers: Orphanet 140162, MedGen C0027672, MeSH D009386, MONDO:0015356.

Submission:

Ambry Genetics
Classification: Uncertain significance for Hereditary cancer-predisposing syndrome. Last evaluated: 2025-08-10. Review status: criteria provided, single submitter. Criteria: Ambry Variant Classification Scheme 2023. Collection method: clinical testing. Allele origin: germline.
Comment: The p.Q216H variant (also known as c.648A>C), located in coding exon 4 of the BARD1 gene, results from an A to C substitution at nucleotide position 648. The glutamine at codon 216 is replaced by histidine, an amino acid with highly similar properties. This amino acid position is not well conserved in available vertebrate species. In addition, this alteration is predicted to be tolerated by in silico analysis. Since supporting evidence is limited at this time, the clinical significance of this alteration remains unclear.

NM_000465.4(BARD1):c.648A>C (p.Gln216His)

Gene: BARD1 (BRCA1 associated RING domain 1; minus strand). Cytogenetic location: 2q35.
Variant type: single nucleotide variant.
Coding change: c.648A>C on transcript NM_000465.4 (MANE Select); coding-DNA position 648, A replaced by C.
Protein change: p.Gln216His; replaces glutamine 216 with histidine.
Molecular consequence: missense variant. On other transcripts: non-coding transcript variant (2), intron variant (3).
Genome position (GRCh38, 1-based): chr2:214,781,226, T>G on the plus strand (A>C on the coding strand, the complement: BARD1 is on the minus strand). VCF-style: chr2-214781226-T-G. GRCh37 (hg19) VCF-style: chr2-215645950-T-G.
Other names: c.591A>C, p.Gln197His (NM_001282543.2); c.158+28186A>C (NM_001282548.2); c.215+15835A>C (NM_001282545.2); c.364+11071A>C (NM_001282549.2); short protein forms Q216H, Q197H.
Identifiers: ClinVar variation 1753800 (VCV001753800.3), dbSNP rs954825746, ClinGen allele CA350456602.